The following is an entry in ClinVar:

NM_001130823.3(DNMT1):c.2386A>G (p.Thr796Ala)

Gene: DNMT1 (DNA methyltransferase 1; minus strand). Cytogenetic location: 19p13.2.
Variant type: single nucleotide variant.
Coding change: c.2386A>G on transcript NM_001130823.3 (MANE Select); coding-DNA position 2386, A replaced by G.
Protein change: p.Thr796Ala; replaces threonine 796 with alanine.
Molecular consequence: missense variant.
Genome position (GRCh38, 1-based): chr19:10,149,653, T>C on the plus strand (A>G on the coding strand, the complement: DNMT1 is on the minus strand). VCF-style: chr19-10149653-T-C. GRCh37 (hg19) VCF-style: chr19-10260329-T-C.
Other names: c.2338A>G, p.Thr780Ala (NM_001318730.2, NM_001379.4); c.2023A>G, p.Thr675Ala (NM_001318731.2); c.2386A>G (NM_001130823.1); short protein forms T675A, T796A, T780A.
Identifiers: ClinVar variation 1432989 (VCV001432989.9), dbSNP rs899735320, ClinGen allele CA305171146.

ClinVar aggregate classification (germline): Uncertain significance. Review status: criteria provided, multiple submitters, no conflicts (2 of 4 stars). 2 submissions from 2 submitters: Uncertain significance (2). Last evaluated 2024-03-17.

Conditions:
Hereditary sensory neuropathy-deafness-dementia syndrome. Also called: NEUROPATHY, HEREDITARY SENSORY, WITH HEARING LOSS AND DEMENTIA; Hereditary sensory neuropathy type IE; HSN IE; Hereditary Sensory and Autonomic Neuropathy Type 1E (HSAN1E). Identifiers: Orphanet 456318, MedGen C3279885, MONDO:0013584, OMIM 614116.

Allele frequency attached by ClinVar (database versions not stated): gnomAD exomes below 0.00001 and 0.00001; gnomAD 0.00003; TOPMed 0.00007.
gnomAD v4.1: 10 of 1,613,452 alleles (0.00062%); highest among the groups gnomAD compares: Admixed American, 0.01%; no homozygotes.

Submissions (2):

Labcorp Genetics (formerly Invitae), Labcorp
Classification: Uncertain significance for Hereditary sensory neuropathy-deafness-dementia syndrome. Last evaluated: 2024-03-17. Review status: criteria provided, single submitter. Criteria: Invitae Variant Classification Sherloc (09022015). Collection method: clinical testing. Allele origin: germline.
Comment: This sequence change replaces threonine, which is neutral and polar, with alanine, which is neutral and non-polar, at codon 796 of the DNMT1 protein (p.Thr796Ala). This variant is present in population databases (no rsID available, gnomAD 0.006%). This variant has not been reported in the literature in individuals affected with DNMT1-related conditions. ClinVar contains an entry for this variant (Variation ID: 1432989). Advanced modeling of protein sequence and biophysical properties (such as structural, functional, and spatial information, amino acid conservation, physicochemical variation, residue mobility, and thermodynamic stability) performed at Invitae indicates that this missense variant is not expected to disrupt DNMT1 protein function with a negative predictive value of 80%. In summary, the available evidence is currently insufficient to determine the role of this variant in disease. Therefore, it has been classified as a Variant of Uncertain Significance.

GeneDx
Classification: Uncertain significance. Last evaluated: 2023-10-16. Review status: criteria provided, single submitter. Criteria: GeneDx Variant Classification Process June 2021. Collection method: clinical testing. Allele origin: germline. Affected: yes.
Comment: In silico analysis supports that this missense variant does not alter protein structure/function; Has not been previously published as pathogenic or benign to our knowledge